The following is an entry in ClinVar:

ClinVar aggregate classification (germline): Conflicting classifications of pathogenicity. Review status: criteria provided, conflicting classifications (1 of 4 stars). 5 submissions from 5 submitters: Likely pathogenic (2); Uncertain significance (3). Last evaluated 2025-10-28.

Conditions:
Hereditary pheochromocytoma and paraganglioma. Also called: Hereditary paragangliomas and pheochromocytomas; Hereditary pheochromocytoma-paraganglioma; Hereditary Paraganglioma-Pheochromocytoma Syndromes. Identifiers: Orphanet 29072, MedGen C4274332, MONDO:0017366.
Intellectual disability. Also called: intellectual disabilities; Intellectual developmental disorder; Intellectual functioning disability. Identifiers: MedGen C3714756, MeSH D008607, MONDO:0001071, HP:0001249.
Tatton-Brown-Rahman overgrowth syndrome. Also called: Tall stature-intellectual disability-facial dysmorphism syndrome; Tatton-Brown-Rahman syndrome. Identifiers: Orphanet 404443, MedGen C4014545, MONDO:0014382, OMIM 615879.

Allele frequency attached by ClinVar (database versions not stated): ExAC 0.00004.

Submissions (5):

Hereditary Endocrine Cancer Group, Spanish National Cancer Research Centre (CNIO)
Classification: Likely pathogenic for Hereditary pheochromocytoma and paraganglioma. Last evaluated: 2025-10-28. Review status: criteria provided, single submitter. Criteria: Hereditary Endocrine Cancer Group (CNIO) Assertion Criteria. Collection method: clinical testing. Allele origin: germline. Affected: yes. Observed: 1 variant allele.
Comment: The c.994G>A variant results in the substitution of glycine with arginine at codon 332. Glycine 332 is a highly conserved residue located in the highly conserved PWWP domain of DNMT3A. An increased methylation of DNMT3A target genes, compatible with a gain-of-function effect of the alteration, was observed in saliva DNA from the patient (PMID: 33182397). This variant has a extremely low frequency in gnomAD. In silico prediction tools unanimously indicate a deleterious effect on the gene. Based on the supporting evidence, this alteration is interpreted as Likely pathogenic.

Laboratoire Génétique Moléculaire, CHRU TOURS
Classification: Uncertain significance for Tatton-Brown-Rahman overgrowth syndrome. Last evaluated: 2024-02-20. Review status: criteria provided, single submitter. Criteria: ACMG Guidelines, 2015. Collection method: clinical testing. Allele origin: de novo.
Comment: PS2;PP3

Labcorp Genetics (formerly Invitae), Labcorp
Classification: Uncertain significance for Tatton-Brown-Rahman overgrowth syndrome. Last evaluated: 2021-09-04. Review status: criteria provided, single submitter. Criteria: Invitae Variant Classification Sherloc (09022015). Collection method: clinical testing. Allele origin: germline.
Comment: In summary, the available evidence is currently insufficient to determine the role of this variant in disease. Therefore, it has been classified as a Variant of Uncertain Significance. Algorithms developed to predict the effect of sequence changes on RNA splicing suggest that this variant may create or strengthen a splice site. Algorithms developed to predict the effect of missense changes on protein structure and function (SIFT, PolyPhen-2, Align-GVGD) all suggest that this variant is likely to be disruptive. ClinVar contains an entry for this variant (Variation ID: 981258). This variant has not been reported in the literature in individuals affected with DNMT3A-related conditions. This variant is present in population databases (rs760854242, ExAC 0.007%). This sequence change replaces glycine with arginine at codon 332 of the DNMT3A protein (p.Gly332Arg). The glycine residue is highly conserved and there is a moderate physicochemical difference between glycine and arginine.

Institute of Human Genetics Munich, TUM University Hospital
Classification: Likely pathogenic for Tatton-Brown-Rahman overgrowth syndrome. Last evaluated: 2021-03-10. Review status: criteria provided, single submitter. Criteria: Classification criteria August 2017. Collection method: clinical testing. Allele origin: de novo. Inheritance: Autosomal dominant inheritance. Affected: yes. Observed: 1 variant allele.

Diagnostic Laboratory, Strasbourg University Hospital
Classification: Uncertain significance for Intellectual disability. Last evaluated: 2020-09-10. Review status: criteria provided, single submitter. Criteria: ACMG Guidelines, 2015. Collection method: clinical testing. Allele origin: de novo. Affected: yes. Observed: 1 heterozygote.

Literature cited by the submitters: PubMed 33182397 (cited by Hereditary Endocrine Cancer Group, Spanish National Cancer Research Centre (CNIO)).

NM_022552.5(DNMT3A):c.994G>A (p.Gly332Arg)

Gene: DNMT3A (DNA methyltransferase 3 alpha; minus strand). Cytogenetic location: 2p23.3.
Variant type: single nucleotide variant.
Coding change: c.994G>A on transcript NM_022552.5 (MANE Select); coding-DNA position 994, G replaced by A.
Protein change: p.Gly332Arg; replaces glycine 332 with arginine.
Molecular consequence: missense variant. On other transcripts: non-coding transcript variant (1).
Genome position (GRCh38, 1-based): chr2:25,247,611, C>T on the plus strand (G>A on the coding strand, the complement: DNMT3A is on the minus strand). VCF-style: chr2-25247611-C-T. GRCh37 (hg19) VCF-style: chr2-25470480-C-T.
Other names: c.538G>A, p.Gly180Arg (NM_001320893.1); c.325G>A, p.Gly109Arg (NM_001375819.1); c.427G>A, p.Gly143Arg (NM_153759.3); c.994G>A, p.Gly332Arg (NM_175629.2); short protein forms G109R, G143R, G180R, G332R.
Identifiers: ClinVar variation 981258 (VCV000981258.9), dbSNP rs760854242, ClinGen allele CA1556221.
Genomic context (GRCh38, chr2:25,247,611, plus strand): 5'-CTTCCCCCACCCCAGGCTACTGCCAAACCCCACAACTTACCACTGAGAATTTGCCGTCTC[C>T]GAACCACATGACCCAGCGGGTGCCTTCAGCTGCTCGGCTCCGGCCCGTCATCCACCAAGA-3'
Protein context (NP_072046.2, residues 322-342): AEGTRWVMWF[Gly332Arg]DGKFSVVCVE